The following is an entry in ClinVar:

NM_006648.4(WNK2):c.3248T>C (p.Val1083Ala)

Gene: WNK2 (WNK lysine deficient protein kinase 2; plus strand). Cytogenetic location: 9q22.31.
Variant type: single nucleotide variant.
Coding change: c.3248T>C on transcript NM_006648.4 (MANE Select); coding-DNA position 3248, T replaced by C.
Protein change: p.Val1083Ala; replaces valine 1083 with alanine.
Molecular consequence: missense variant.
Genome position (GRCh38, 1-based): chr9:93,261,995, T>C. VCF-style: chr9-93261995-T-C. GRCh37 (hg19) VCF-style: chr9-96024277-T-C.
Other names: c.3248T>C, p.Val1083Ala (NM_001282394.3); short protein forms V1083A.
Identifiers: ClinVar variation 4201730 (VCV004201730.1).

ClinVar aggregate classification (germline): Uncertain significance (1 of 4 stars; one submission).

gnomAD v4.1: 1 of 1,611,908 alleles (0.000062%); highest among the groups gnomAD compares: Non-Finnish European, 0.000085%; no homozygotes.

Submission:

Ambry Genetics
Classification: Uncertain significance. Last evaluated: 2025-08-09. Review status: criteria provided, single submitter. Criteria: Ambry Variant Classification Scheme 2023. Collection method: clinical testing. Allele origin: germline.
Comment: The p.V1083A variant (also known as c.3248T>C), located in coding exon 12 of the WNK2 gene, results from a T to C substitution at nucleotide position 3248. The valine at codon 1083 is replaced by alanine, an amino acid with similar properties. This amino acid position is conserved. In addition, this alteration is predicted to be tolerated by in silico analysis. Based on the available evidence, the clinical significance of this variant remains unclear.